The following is an entry in ClinVar:

ClinVar aggregate classification (germline): Uncertain significance (1 of 4 stars; one submission).

Allele frequency attached by ClinVar (database versions not stated): TOPMed below 0.00001.

Submission:

CeGaT Center for Human Genetics Tuebingen
Classification: Uncertain significance. Last evaluated: 2022-06-01. Review status: criteria provided, single submitter. Criteria: CeGaT Center For Human Genetics Tuebingen Variant Classification Criteria Version 2. Collection method: clinical testing. Allele origin: germline. Affected: yes. Observed: 1 variant allele.
Comment: CACNA1A: PM2:Supporting, PP2, PP3

NM_001127222.2(CACNA1A):c.6965A>G (p.Gln2322Arg)

Genes: CACNA1A (calcium voltage-gated channel subunit alpha1 A; minus strand), LOC108663985 (calcium voltage-gated channel subunit alpha1 A repeat instability region; plus strand). Cytogenetic location: 19p13.13.
Variant type: single nucleotide variant.
Coding change: c.6965A>G on transcript NM_001127222.2 (MANE Select); coding-DNA position 6965, A replaced by G.
Protein change: p.Gln2322Arg; replaces glutamine 2322 with arginine.
Molecular consequence: missense variant. On other transcripts: 3 prime UTR variant (3).
Genome position (GRCh38, 1-based): chr19:13,207,869, T>C on the plus strand (A>G on the coding strand, the complement: CACNA1A is on the minus strand). VCF-style: chr19-13207869-T-C. GRCh37 (hg19) VCF-style: chr19-13318683-T-C.
Other names: c.*177A>G (NM_000068.4, NM_001127221.2, NM_001174080.2); c.6983A>G, p.Gln2328Arg (NM_023035.3); short protein forms Q2322R, Q2328R.
Identifiers: ClinVar variation 1694896 (VCV001694896.31), dbSNP rs1216660737, ClinGen allele CA404328712.